The following is an entry in ClinVar:

ClinVar aggregate classification (germline): Uncertain significance (1 of 4 stars; one submission).

gnomAD v4.1: 2 of 1,614,030 alleles (0.00012%); highest among the groups gnomAD compares: Admixed American, 0.0033%; no homozygotes.

Submission:

Labcorp Genetics (formerly Invitae), Labcorp
Classification: Uncertain significance. Last evaluated: 2024-11-05. Review status: criteria provided, single submitter. Criteria: Invitae Variant Classification Sherloc (09022015). Collection method: clinical testing. Allele origin: germline.
Comment: This sequence change replaces glycine, which is neutral and non-polar, with aspartic acid, which is acidic and polar, at codon 109 of the USH1C protein (p.Gly109Asp). This variant is present in population databases (no rsID available, gnomAD 0.003%). This variant has not been reported in the literature in individuals affected with USH1C-related conditions. ClinVar contains an entry for this variant (Variation ID: 1923569). An algorithm developed to predict the effect of missense changes on protein structure and function (PolyPhen-2) suggests that this variant is likely to be disruptive. In summary, the available evidence is currently insufficient to determine the role of this variant in disease. Therefore, it has been classified as a Variant of Uncertain Significance.

NM_153676.4(USH1C):c.326G>A (p.Gly109Asp)

Gene: USH1C (USH1 protein network component harmonin; minus strand). Cytogenetic location: 11p15.1.
Variant type: single nucleotide variant.
Coding change: c.326G>A on transcript NM_153676.4 (MANE Select); coding-DNA position 326, G replaced by A.
Protein change: p.Gly109Asp; replaces glycine 109 with aspartic acid.
Molecular consequence: missense variant. On other transcripts: non-coding transcript variant (1).
Genome position (GRCh38, 1-based): chr11:17,531,215, C>T on the plus strand (G>A on the coding strand, the complement: USH1C is on the minus strand). VCF-style: chr11-17531215-C-T. GRCh37 (hg19) VCF-style: chr11-17552762-C-T.
Other names: c.326G>A, p.Gly109Asp (NM_001297764.2, NM_005709.4); short protein forms G109D.
Identifiers: ClinVar variation 1923569 (VCV001923569.5), dbSNP rs1320230679, ClinGen allele CA379797038.